The following is an entry in ClinVar:

NM_000395.3(CSF2RB):c.960C>T (p.Ile320=)

Gene: CSF2RB (colony stimulating factor 2 receptor subunit beta; plus strand). Cytogenetic location: 22q12.3.
Variant type: single nucleotide variant.
Coding change: c.960C>T on transcript NM_000395.3 (MANE Select); coding-DNA position 960, C replaced by T.
Protein change: p.Ile320=; no amino-acid change (isoleucine 320 retained).
Molecular consequence: synonymous variant.
Genome position (GRCh38, 1-based): chr22:36,930,778, C>T. VCF-style: chr22-36930778-C-T. GRCh37 (hg19) VCF-style: chr22-37326820-C-T.
Other names: c.978C>T, p.Ile326= (NM_001410827.1).
Identifiers: ClinVar variation 4701519 (VCV004701519.1).

ClinVar aggregate classification (germline): Uncertain significance (1 of 4 stars; one submission).

gnomAD v4.1: 7 of 1,614,020 alleles (0.00043%); highest among the groups gnomAD compares: Middle Eastern, 0.017%; no homozygotes.

Submission:

Labcorp Genetics (formerly Invitae), Labcorp
Classification: Uncertain significance. Last evaluated: 2026-01-27. Review status: criteria provided, single submitter. Criteria: Invitae Variant Classification Sherloc (09022015). Collection method: clinical testing. Allele origin: germline.
Comment: This sequence change affects codon 320 of the CSF2RB mRNA. It is a 'silent' change, meaning that it does not change the encoded amino acid sequence of the CSF2RB protein. This variant is present in population databases (no rsID available, gnomAD 0.003%). This variant has not been reported in the literature in individuals affected with CSF2RB-related conditions. Algorithms developed to predict the effect of sequence changes on RNA splicing suggest that this variant may disrupt the consensus splice site. In summary, the available evidence is currently insufficient to determine the role of this variant in disease. Therefore, it has been classified as a Variant of Uncertain Significance.